The following is an entry in ClinVar:

ClinVar aggregate classification (germline): Likely pathogenic (1 of 4 stars; one submission).

Submission:

Labcorp Genetics (formerly Invitae), Labcorp
Classification: Likely pathogenic. Last evaluated: 2025-03-12. Review status: criteria provided, single submitter. Criteria: Invitae Variant Classification Sherloc (09022015). Collection method: clinical testing. Allele origin: germline.
Comment: This variant results in the deletion of part of exon 29 (c.4408_4414+15del) of the CDK5RAP2 gene. It is expected to disrupt RNA splicing. Variants that disrupt the donor or acceptor splice site typically lead to a loss of protein function (PMID: 16199547), and loss-of-function variants in CDK5RAP2 are known to be pathogenic (PMID: 15793586, 20460369, 26436113). This variant is not present in population databases (gnomAD no frequency). This variant has not been reported in the literature in individuals affected with CDK5RAP2-related conditions. In summary, the currently available evidence indicates that the variant is pathogenic, but additional data are needed to prove that conclusively. Therefore, this variant has been classified as Likely Pathogenic.

Literature cited by the submitters: PubMed 16199547; PubMed 15793586; PubMed 20460369; PubMed 26436113.

NM_018249.6(CDK5RAP2):c.4408_4414+15del

Gene: CDK5RAP2 (CDK5 regulatory subunit associated protein 2; minus strand). Cytogenetic location: 9q33.2.
Variant type: Deletion.
Coding change: c.4408_4414+15del on transcript NM_018249.6 (MANE Select); coding-DNA position 4408 through 15 bases into the intron after coding-DNA position 4414, 22 bases deleted (TCCAGAGGTAAGAGTTAAAGGA).
Molecular consequence: splice donor variant.
Genome position (GRCh38, 1-based): chr9:120,411,343-120,411,364, TCCTTTAACTCTTACCTCTGGA deleted on the plus strand (TCCAGAGGTAAGAGTTAAAGGA on the coding strand, the reverse complement: CDK5RAP2 is on the minus strand); deleting any 22 consecutive bases within chr9:120,411,343-120,411,372 gives the same sequence; the c. name uses the placement nearest the transcript's 3' end. VCF-style (leftmost placement, unchanged base first): chr9-120411342-CTCCTTTAACTCTTACCTCTGGA-C. GRCh37 (hg19) VCF-style: chr9-123173620-CTCCTTTAACTCTTACCTCTGGA-C.
Other names: c.3718_3724+15del (NM_001272039.2); c.4309_4315+15del (NM_001410992.1); c.4405_4411+15del (NM_001410994.1); c.4312_4318+15del (NM_001410993.1); c.4408_4414+15del (NM_001011649.3).
Identifiers: ClinVar variation 4771673 (VCV004771673.1).